The following is an entry in ClinVar:

NM_004519.4(KCNQ3):c.2330G>A (p.Arg777Gln)

Gene: KCNQ3 (potassium voltage-gated channel subfamily Q member 3; minus strand). Cytogenetic location: 8q24.22.
Variant type: single nucleotide variant.
Coding change: c.2330G>A on transcript NM_004519.4 (MANE Select); coding-DNA position 2330, G replaced by A.
Protein change: p.Arg777Gln; replaces arginine 777 with glutamine.
Molecular consequence: missense variant.
Genome position (GRCh38, 1-based): chr8:132,129,551, C>T on the plus strand (G>A on the coding strand, the complement: KCNQ3 is on the minus strand). VCF-style: chr8-132129551-C-T. GRCh37 (hg19) VCF-style: chr8-133141798-C-T.
Other names: p.R777Q:CGG>CAG; c.1970G>A, p.Arg657Gln (NM_001204824.2); short protein forms R777Q, R657Q.
Identifiers: ClinVar variation 205990 (VCV000205990.29), dbSNP rs201328910, ClinGen allele CA315646.
Genomic context (GRCh38, chr8:132,129,551, plus strand): 5'-TGGTTGACCGACATCAGGGACAGAGGTGTGTCACTGTCTCGCGTGATGCTACGTCTCTGC[C>T]GGGGGGAGATTCGGTCCGAGTAGGGGCCCTGCAGGTCAGCCTGGGAGTGGCAGCTCACTC-3'
Protein context (NP_004510.1, residues 767-787): QGPYSDRISP[Arg777Gln]QRRSITRDSD

ClinVar aggregate classification (germline): Conflicting classifications of pathogenicity. Review status: criteria provided, conflicting classifications (1 of 4 stars). 7 submissions from 7 submitters: Uncertain significance (1); Benign (1); Likely benign (5). Last evaluated 2026-08-01.

Conditions:
Inborn genetic diseases. Identifiers: MedGen C0950123, MeSH D030342.
Benign neonatal seizures. Also called: Benign familial neonatal seizures; Convulsions benign familial neonatal dominant form; Autosomal dominant form of benign neonatal seizures; Benign neonatal familial convulsions; Benign familial neonatal epilepsy. Identifiers: Orphanet 1949, MedGen C0220669, MONDO:0016027.
Seizures, benign familial neonatal, 2. Also called: KCNQ3-Related Benign Familial Neonatal Epilepsy; Benign Neonatal Epilepsy 2; CONVULSIONS, BENIGN FAMILIAL NEONATAL, 2; Seizures, benign neonatal, 2; KCNQ3-Related Self-Limited Familial Neonatal Epilepsy (SLFNE). Identifiers: Orphanet 1949, MedGen C1852581, MONDO:0007366, OMIM 121201.

Allele frequency attached by ClinVar (database versions not stated): ESP Exome Variant Server 0.00008; TOPMed 0.00024; gnomAD 0.00030 and 0.00034; ExAC 0.00035; gnomAD exomes 0.00039.
gnomAD v4.1: 670 of 1,614,004 alleles (0.042%); highest among the groups gnomAD compares: Non-Finnish European, 0.044%; 1 homozygote.

Submissions (7):

CeGaT Center for Human Genetics Tuebingen
Classification: Likely benign. Last evaluated: 2026-08-01. Review status: criteria provided, single submitter. Criteria: CeGaT Center For Human Genetics Tuebingen Variant Classification Criteria Version 2. Collection method: clinical testing. Allele origin: germline. Affected: yes. Observed: 1 variant allele.
Comment: KCNQ3: BP4, BS1

Labcorp Genetics (formerly Invitae), Labcorp
Classification: Likely benign for Benign neonatal seizures. Last evaluated: 2025-12-28. Review status: criteria provided, single submitter. Criteria: Invitae Variant Classification Sherloc (09022015). Collection method: clinical testing. Allele origin: germline.

Blueprint Genetics
Classification: Likely benign. Last evaluated: 2024-09-06. Review status: criteria provided, single submitter. Criteria: ACMG Guidelines, 2015. Collection method: clinical testing. Allele origin: germline.

Ambry Genetics
Classification: Likely benign for Inborn genetic diseases. Last evaluated: 2021-06-22. Review status: criteria provided, single submitter. Criteria: Ambry Variant Classification Scheme 2023. Collection method: clinical testing. Allele origin: germline.

GeneDx
Classification: Benign. Last evaluated: 2019-11-19. Review status: criteria provided, single submitter. Criteria: GeneDx Variant Classification Process June 2021. Collection method: clinical testing. Allele origin: germline. Affected: yes.

Illumina Laboratory Services, Illumina
Classification: Likely benign for Seizures, benign familial neonatal, 2. Last evaluated: 2017-04-27. Review status: criteria provided, single submitter. Criteria: ICSL Variant Classification Criteria 13 December 2019. Collection method: clinical testing. Allele origin: germline.
Comment: This variant was observed as part of a predisposition screen in an ostensibly healthy population. A literature search was performed for the gene, cDNA change, and amino acid change (where applicable). No publications were found based on this search. Allele frequency data from public databases allowed determination this variant is unlikely to cause disease. Therefore, this variant is classified as likely benign.

Eurofins Ntd Llc (ga)
Classification: Uncertain significance. Last evaluated: 2015-11-24. Review status: criteria provided, single submitter. Criteria: EGL Classification Definitions 2015. Collection method: clinical testing. Allele origin: germline. Observed: 1 variant allele, 1 heterozygote.